The following is an entry in ClinVar:

ClinVar aggregate classification (germline): Uncertain significance (1 of 4 stars; one submission).

Allele frequency attached by ClinVar (database versions not stated): ExAC 0.00001; gnomAD exomes below 0.00001; gnomAD 0.00001.

Submission:

GeneDx
Classification: Uncertain significance. Last evaluated: 2020-12-04. Review status: criteria provided, single submitter. Criteria: GeneDx Variant Classification Process June 2021. Collection method: clinical testing. Allele origin: germline. Affected: yes.
Comment: Not observed at a significant frequency in large population cohorts (Lek et al., 2016); In silico protein predictor analysis supports that this missense variant does not alter protein structure/function, however, in-silico splice predictor analysis is inconclusive as to whether the variant alters gene splicing. In the absence of RNA/functional studies, the actual effect of this sequence change is unknown.; Has not been previously published as pathogenic or benign to our knowledge

NM_001077418.3(TMEM231):c.743T>C (p.Ile248Thr)

Gene: TMEM231 (transmembrane protein 231; minus strand). Cytogenetic location: 16q23.1.
Variant type: single nucleotide variant.
Coding change: c.743T>C on transcript NM_001077418.3 (MANE Select); coding-DNA position 743, T replaced by C.
Protein change: p.Ile248Thr; replaces isoleucine 248 with threonine.
Molecular consequence: missense variant. On other transcripts: non-coding transcript variant (1).
Genome position (GRCh38, 1-based): chr16:75,541,377, A>G on the plus strand (T>C on the coding strand, the complement: TMEM231 is on the minus strand). VCF-style: chr16-75541377-A-G. GRCh37 (hg19) VCF-style: chr16-75575275-A-G.
Other names: c.902T>C, p.Ile301Thr (NM_001077416.2); short protein forms I248T, I301T.
Identifiers: ClinVar variation 1307805 (VCV001307805.2), dbSNP rs747228664, ClinGen allele CA8176054.